The following is an entry in ClinVar:

NM_001368882.1(COL13A1):c.1676G>A (p.Gly559Asp)

Gene: COL13A1 (collagen type XIII alpha 1 chain; plus strand). Cytogenetic location: 10q22.1.
Variant type: single nucleotide variant.
Coding change: c.1676G>A on transcript NM_001368882.1 (MANE Select); coding-DNA position 1676, G replaced by A.
Protein change: p.Gly559Asp; replaces glycine 559 with aspartic acid.
Molecular consequence: missense variant.
Genome position (GRCh38, 1-based): chr10:69,930,545, G>A. VCF-style: chr10-69930545-G-A. GRCh37 (hg19) VCF-style: chr10-71690301-G-A.
Other names: c.1643G>A, p.Gly548Asp (NM_001130103.2); c.1613G>A, p.Gly538Asp (NM_001320951.2, NM_001368884.1); c.1640G>A, p.Gly547Asp (NM_001368883.1); c.1577G>A, p.Gly526Asp (NM_001368885.1, NM_080801.4, NM_080802.4); c.1013G>A, p.Gly338Asp (NM_001368886.1); c.1586G>A, p.Gly529Asp (NM_001368895.1, NM_080800.4); c.1472G>A, p.Gly491Asp (NM_001368896.1, NM_001368898.1, NM_080798.4); c.1499G>A, p.Gly500Asp (NM_001368897.1); and 2 more; short protein forms G526D, G559D, G500D, G538D, G491D, G497D, G547D, G548D.
Identifiers: ClinVar variation 1443434 (VCV001443434.4), dbSNP rs769110389, ClinGen allele CA5534857.

ClinVar aggregate classification (germline): Uncertain significance. Review status: criteria provided, multiple submitters, no conflicts (2 of 4 stars). 2 submissions from 2 submitters: Uncertain significance (2). Last evaluated 2025-01-07.

Conditions:
Inborn genetic diseases. Identifiers: MedGen C0950123, MeSH D030342.

Allele frequency attached by ClinVar (database versions not stated): gnomAD exomes 0.00002 and 0.00001; ExAC 0.00001; TOPMed 0.00004.
gnomAD v4.1: 6 of 1,612,758 alleles (0.00037%); highest among the groups gnomAD compares: Admixed American, 0.01%; no homozygotes.

Submissions (2):

Ambry Genetics
Classification: Uncertain significance for Inborn genetic diseases. Last evaluated: 2025-01-07. Review status: criteria provided, single submitter. Criteria: Ambry Variant Classification Scheme 2023. Collection method: clinical testing. Allele origin: germline.

Labcorp Genetics (formerly Invitae), Labcorp
Classification: Uncertain significance. Last evaluated: 2022-08-31. Review status: criteria provided, single submitter. Criteria: Invitae Variant Classification Sherloc (09022015). Collection method: clinical testing. Allele origin: germline.
Comment: This sequence change replaces glycine, which is neutral and non-polar, with aspartic acid, which is acidic and polar, at codon 548 of the COL13A1 protein (p.Gly548Asp). This variant is present in population databases (rs769110389, gnomAD 0.02%). This variant has not been reported in the literature in individuals affected with COL13A1-related conditions. ClinVar contains an entry for this variant (Variation ID: 1443434). Algorithms developed to predict the effect of missense changes on protein structure and function (SIFT, PolyPhen-2, Align-GVGD) all suggest that this variant is likely to be disruptive. In summary, the available evidence is currently insufficient to determine the role of this variant in disease. Therefore, it has been classified as a Variant of Uncertain Significance.